The following is an entry in ClinVar:

NM_000088.4(COL1A1):c.1508G>C (p.Gly503Ala)

Gene: COL1A1 (collagen type I alpha 1 chain; minus strand). Cytogenetic location: 17q21.33.
Variant type: single nucleotide variant.
Coding change: c.1508G>C on transcript NM_000088.4 (MANE Select); coding-DNA position 1508, G replaced by C.
Protein change: p.Gly503Ala; replaces glycine 503 with alanine.
Molecular consequence: missense variant.
Genome position (GRCh38, 1-based): chr17:50,194,580, C>G on the plus strand (G>C on the coding strand, the complement: COL1A1 is on the minus strand). VCF-style: chr17-50194580-C-G. GRCh37 (hg19) VCF-style: chr17-48271941-C-G.
Other names: short protein forms G503A.
Identifiers: ClinVar variation 2419141 (VCV002419141.6), dbSNP rs2509220522, ClinGen allele CA400217245.

ClinVar aggregate classification (germline): Pathogenic (1 of 4 stars; one submission).

Conditions:
Osteogenesis imperfecta type I (OI1). Also called: Lobstein's Disease; Osteogenesis imperfecta type 1; Lobstein disease; Classic Non-deforming Osteogenesis Imperfecta with Blue Sclerae; OI, TYPE I; OSTEOGENESIS IMPERFECTA TARDA. Identifiers: Orphanet 216796, Orphanet 666, MedGen C0023931, MONDO:0008146, OMIM 166200. Disease mechanism: loss of function.

Submission:

Labcorp Genetics (formerly Invitae), Labcorp
Classification: Pathogenic for Osteogenesis imperfecta type I. Last evaluated: 2022-07-18. Review status: criteria provided, single submitter. Criteria: Invitae Variant Classification Sherloc (09022015). Collection method: clinical testing. Allele origin: germline.
Comment: For these reasons, this variant has been classified as Pathogenic. This variant disrupts the triple helix domain of COL1A1. Glycine residues within the Gly-Xaa-Yaa repeats of the triple helix domain are required for the structure and stability of fibrillar collagens (PMID: 7695699, 8218237, 19344236). In COL1A1, variants affecting these glycine residues are significantly enriched in individuals with disease (PMID: 9016532, 17078022) compared to the general population (ExAC). Advanced modeling of protein sequence and biophysical properties (such as structural, functional, and spatial information, amino acid conservation, physicochemical variation, residue mobility, and thermodynamic stability) performed at Invitae indicates that this missense variant is expected to disrupt COL1A1 protein function. This missense change has been observed in individual(s) with Osteogenesis imperfecta (PMID: 31363794). This variant is not present in population databases (gnomAD no frequency). This sequence change replaces glycine, which is neutral and non-polar, with alanine, which is neutral and non-polar, at codon 503 of the COL1A1 protein (p.Gly503Ala).

Literature cited by the submitters: PubMed 7695699; PubMed 8218237; PubMed 19344236; PubMed 9016532; PubMed 17078022; PubMed 31363794.